The following is an entry in ClinVar:

ClinVar aggregate classification (germline): Uncertain significance (1 of 4 stars; one submission).

Allele frequency attached by ClinVar (database versions not stated): gnomAD 0.00001; gnomAD exomes 0.00002; TOPMed 0.00002.
gnomAD v4.1: 13 of 1,546,836 alleles (0.00084%); highest among the groups gnomAD compares: Admixed American, 0.026%; 1 homozygote.

Submission:

GeneDx
Classification: Uncertain significance. Last evaluated: 2022-02-11. Review status: criteria provided, single submitter. Criteria: GeneDx Variant Classification Process June 2021. Collection method: clinical testing. Allele origin: germline. Affected: yes.
Comment: In silico analysis supports that this missense variant has a deleterious effect on protein structure/function; Has not been previously published as pathogenic or benign to our knowledge; Variants in candidate genes are classified as variants of uncertain significance in accordance with ACMG guidelines (Richards et al., 2015)

NM_001367479.1(DNAH14):c.5582C>T (p.Thr1861Ile)

Gene: DNAH14 (dynein axonemal heavy chain 14; plus strand). Cytogenetic location: 1q42.12.
Variant type: single nucleotide variant.
Coding change: c.5582C>T on transcript NM_001367479.1 (MANE Select); coding-DNA position 5582, C replaced by T.
Protein change: p.Thr1861Ile; replaces threonine 1861 with isoleucine.
Molecular consequence: missense variant.
Genome position (GRCh38, 1-based): chr1:225,185,337, C>T. VCF-style: chr1-225185337-C-T. GRCh37 (hg19) VCF-style: chr1-225373039-C-T.
Other names: NM_001373.1:c.5516C>T; short protein forms T1861I.
Identifiers: ClinVar variation 1810568 (VCV001810568.1), dbSNP rs1019828087, ClinGen allele CA39020506.